The following is an entry in ClinVar:

NM_000059.4(BRCA2):c.145G>T (p.Glu49Ter)

Gene: BRCA2 (BRCA2 DNA repair associated; plus strand). Cytogenetic location: 13q13.1.
Variant type: single nucleotide variant.
Coding change: c.145G>T on transcript NM_000059.4 (MANE Select); coding-DNA position 145, G replaced by T.
Protein change: p.Glu49Ter; replaces glutamic acid 49 with a stop codon.
Molecular consequence: nonsense.
Genome position (GRCh38, 1-based): chr13:32,319,154, G>T. VCF-style: chr13-32319154-G-T. GRCh37 (hg19) VCF-style: chr13-32893291-G-T.
Other names: p.E49*:GAA>TAA; 373G>T; short protein forms E49*.
Identifiers: ClinVar variation 51129 (VCV000051129.92), dbSNP rs80358435, ClinGen allele CA012123.
Genomic context (GRCh38, chr13:32,319,154, plus strand): 5'-CTTAATTGGTTTGAAGAACTTTCTTCAGAAGCTCCACCCTATAATTCTGAACCTGCAGAA[G>T]AATCTGAACATAAAAACAACAATTACGAACCAAACCTATTTAAAACTCCACAAAGGAAAC-3'

ClinVar aggregate classification (germline): Pathogenic. Review status: reviewed by expert panel (3 of 4 stars). 27 submissions from 26 submitters: Pathogenic (1). 26 of the submissions do not count toward it. Last evaluated 2016-09-08.

Conditions:
Gastric cancer. Also called: Malignant tumor of stomach; Stomach cancer. Identifiers: MedGen C0024623, MeSH D013274, MONDO:0001056, OMIM 613659, HP:0012126.
Breast-ovarian cancer, familial, susceptibility to, 2 (BROVCA2). Also called: BRCA2 Hereditary Breast and Ovarian Cancer. Identifiers: Orphanet 145, MedGen C2675520, MONDO:0012933, OMIM 612555. Disease mechanism: loss of function.
Fanconi anemia complementation group D1. Also called: BRCA2-Related Fanconi Anemia. Identifiers: Orphanet 319462, MedGen C1838457, MONDO:0011584, OMIM 605724.
Medulloblastoma (MDB). Also called: MEDULLOBLASTOMA PREDISPOSITION SYNDROME; Medulloblastoma, somatic. Identifiers: Orphanet 616, MedGen C0025149, MeSH D008527, MONDO:0007959, OMIM 155255, HP:0002885.
Pancreatic cancer, susceptibility to, 2. Identifiers: Orphanet 1333, MedGen C3150546, MONDO:0013235, OMIM 613347.
Glioma susceptibility 3 (GLM3). Also called: Glioblastoma 3. Identifiers: Orphanet 182067, Orphanet 360, MedGen C2751641, MONDO:0013093, OMIM 613029.
Wilms tumor 1 (WT1). Also called: Wilms tumor, somatic. Identifiers: Orphanet 654, MedGen CN033288, MONDO:0008679, OMIM 194070.
Familial cancer of breast. Also called: hereditary breast carcinoma; BREAST CANCER, FAMILIAL; Hereditary breast cancer. Identifiers: Orphanet 227535, MedGen C0346153, MONDO:0016419, OMIM 114480. Disease mechanism: loss of function.
Esophageal atresia/tracheoesophageal fistula. Also called: TRACHEOESOPHAGEAL FISTULA WITH OR WITHOUT ESOPHAGEAL ATRESIA; Tracheoesophageal fistula. Identifiers: Orphanet 1199, MedGen C0040588, MeSH D014138, MONDO:0008586, OMIM 189960, HP:0002575.
Prostate cancer. Also called: Malignant tumor of prostate. Identifiers: Orphanet 1331, MedGen C0376358, MONDO:0008315, HP:0012125.
Hereditary cancer-predisposing syndrome. Also called: Hereditary Cancer Syndrome; Neoplastic Syndromes, Hereditary; Hereditary neoplastic syndrome; Tumor predisposition. Identifiers: Orphanet 140162, MedGen C0027672, MeSH D009386, MONDO:0015356.
Hereditary breast ovarian cancer syndrome. Also called: Hereditary breast and ovarian cancer syndrome; Breast and ovarian cancer; Hereditary breast and ovarian cancer syndrome (HBOC); BRCA1- and BRCA2-Associated Hereditary Breast and Ovarian Cancer; Hereditary breast and/or ovarian cancer syndrome; Hereditary breast and ovarian cancer. Identifiers: Orphanet 145, MedGen C0677776, MeSH D061325, MONDO:0003582. Disease mechanism: loss of function.
Malignant tumor of breast. Also called: Malignant breast neoplasm; Cancer breast. Identifiers: MedGen C0006142, MONDO:0007254. Disease mechanism: loss of function.

gnomAD v4.1: 3 of 1,613,910 alleles (0.00019%); highest among the groups gnomAD compares: Non-Finnish European, 0.00025%; no homozygotes.

Submissions 1 to 9 of 27:

Evidence-based Network for the Interpretation of Germline Mutant Alleles (ENIGMA)
Classification: Pathogenic for Breast-ovarian cancer, familial, susceptibility to, 2. Last evaluated: 2016-09-08. Review status: reviewed by expert panel. Criteria: ENIGMA BRCA1/2 Classification Criteria (2015). Collection method: curation. Allele origin: germline.
Comment: Variant allele predicted to encode a truncated non-functional protein.

Labcorp Genetics (formerly Invitae), Labcorp
Classification: Pathogenic for Hereditary breast ovarian cancer syndrome. Last evaluated: 2025-12-09. Review status: criteria provided, single submitter. Criteria: Invitae Variant Classification Sherloc (09022015). Collection method: clinical testing. Allele origin: germline. Not counted in ClinVar's aggregate classification.
Comment: This sequence change creates a premature translational stop signal (p.Glu49*) in the BRCA2 gene. It is expected to result in an absent or disrupted protein product. Loss-of-function variants in BRCA2 are known to be pathogenic (PMID: 20104584). This variant is present in population databases (rs80358435, gnomAD 0.003%). This premature translational stop signal has been observed in individual(s) with breast and/or ovarian cancer (PMID: 11389159, 20215541, 21120943, 23479189, 24504028). This variant is also known as 373G>T. ClinVar contains an entry for this variant (Variation ID: 51129). RNA analysis performed to evaluate the impact of this premature translational stop signal on mRNA splicing indicates it does not significantly alter splicing (internal data). For these reasons, this variant has been classified as Pathogenic.

Ambry Genetics
Classification: Pathogenic for Hereditary cancer-predisposing syndrome. Last evaluated: 2025-04-29. Review status: criteria provided, single submitter. Criteria: Ambry Variant Classification Scheme 2023. Collection method: clinical testing. Allele origin: germline. Not counted in ClinVar's aggregate classification.
Comment: The p.E49* pathogenic mutation (also known as c.145G>T), located in coding exon 2 of the BRCA2 gene, results from a G to T substitution at nucleotide position 145. This changes the amino acid from a glutamic acid to a stop codon within coding exon 2. This mutation has been reported in multiple breast and/or ovarian cancer kindreds to date (Bergthorsson JT et al. J. Med. Genet. 2001 Jun;38:361-8; Vogel KJ et al. J. Clin. Oncol. 2007 Oct;25:4635-41; Sanz DJ et al. Clin. Cancer Res. 2010 Mar;16:1957-67; de Juan Jim&eacute;nez I et al. Fam. Cancer. 2013 Dec;12:767-77; Cunningham JM et al. Sci Rep. 2014 Feb;4:4026; Labidi-Galy S et al. Clin. Cancer Res. 2018 Jan;24(2):326-333). Haplotype analysis has identified this alteration as a Chilean founder mutation (Alvarez C et al. Oncotarget. 2017 Sep;8:74233-74243). Of note, this alteration is also designated as 373G>T in published literature. In addition to the clinical data presented in the literature, this alteration is expected to result in loss of function by premature protein truncation or nonsense-mediated mRNA decay. As such, this alteration is interpreted as a disease-causing mutation.

Center for Genomic Medicine, Rigshospitalet, Copenhagen University Hospital
Classification: Pathogenic. Last evaluated: 2025-03-04. Review status: criteria provided, single submitter. Criteria: ACMG Guidelines, 2015. Collection method: clinical testing. Allele origin: germline. Not counted in ClinVar's aggregate classification.

Quest Diagnostics Nichols Institute San Juan Capistrano
Classification: Pathogenic. Last evaluated: 2024-08-28. Review status: criteria provided, single submitter. Criteria: Quest Diagnostics criteria. Collection method: clinical testing. Allele origin: unknown. Not counted in ClinVar's aggregate classification.
Comment: The BRCA2 c.145G>T (p.Glu49*) variant alters the translational reading frame of the BRCA2 mRNA and causes the premature termination of BRCA2 protein synthesis. This variant has been reported in the published literature in individuals and families affected with breast or ovarian cancer (PMIDs: 33471991 (2021), 30287823 (2018), 29446198 (2018), 11857748 (2002), 11389159 (2001)), and it has been reported to cause exon 3 skipping and loss of the essential PALB2 binding domain of BRCA2 (PMID 20215541 (2010)). The frequency of this variant in the general population, 0.000004 (1/251328 chromosomes (Genome Aggregation Database)), is consistent with pathogenicity. Based on the available information, this variant is classified as pathogenic.

Department of Clinical Genetics, Copenhagen University Hospital, Rigshospitalet
Classification: Pathogenic for Breast-ovarian cancer, familial, susceptibility to, 2. Last evaluated: 2024-05-27. Review status: criteria provided, single submitter. Criteria: ACMG Guidelines, 2015. Collection method: clinical testing. Allele origin: germline. Affected: yes. Not counted in ClinVar's aggregate classification.
Comment: PVS1; PM5_PTC_Strong

Baylor Genetics
Classification: Pathogenic for Familial cancer of breast. Last evaluated: 2024-02-23. Review status: criteria provided, single submitter. Criteria: ACMG Guidelines, 2015. Collection method: clinical testing. Allele origin: unknown. Not counted in ClinVar's aggregate classification.

All of Us Research Program, National Institutes of Health
Classification: Pathogenic for Breast-ovarian cancer, familial, susceptibility to, 2. Last evaluated: 2024-02-05. Review status: criteria provided, single submitter. Criteria: ACMG Guidelines, 2015. Collection method: clinical testing. Allele origin: germline. Inheritance: Autosomal dominant inheritance. Observed: 1 variant allele, 1 heterozygote. Not counted in ClinVar's aggregate classification.
Comment: This variant changes 1 nucleotide in exon 3 of the BRCA2 gene, creating a premature translation stop signal. This variant is expected to result in an absent or non-functional protein product. This variant has been reported in at least five individuals affected with breast or ovarian cancer (PMID: 20927582, 23479189, 24504028, 30287823, 33471991; Leiden Open Variation Database DB-ID BRCA2_000017) and has been identified in 54 families among the CIMBA participants (PMID: 29446198). This variant has been identified in 1/251328 chromosomes in the general population by the Genome Aggregation Database (gnomAD). Loss of BRCA2 function is a known mechanism of disease. Based on the available evidence, this variant is classified as Pathogenic.

This study involves interpretation of variants in research participants for the purpose of population health screening. Participant phenotype was not available at the time of variant classification. Additional details can be found in publication PMID: 35346344, PMCID: PMC8962531

Color Diagnostics, LLC DBA Color Health
Classification: Pathogenic for Hereditary cancer-predisposing syndrome. Last evaluated: 2023-11-29. Review status: criteria provided, single submitter. Criteria: ACMG Guidelines, 2015. Collection method: clinical testing. Allele origin: germline. Not counted in ClinVar's aggregate classification.
Comment: This variant changes 1 nucleotide in exon 3 of the BRCA2 gene, creating a premature translation stop signal. This variant is expected to result in an absent or non-functional protein product. This variant has been reported in at least five individuals affected with breast or ovarian cancer (PMID: 20927582, 23479189, 24504028, 30287823, 33471991; Leiden Open Variation Database DB-ID BRCA2_000017) and has been identified in 54 families among the CIMBA participants (PMID: 29446198). This variant has been identified in 1/251328 chromosomes in the general population by the Genome Aggregation Database (gnomAD). Loss of BRCA2 function is a known mechanism of disease. Based on the available evidence, this variant is classified as Pathogenic.